The following is an entry in ClinVar:

ClinVar aggregate classification (germline): Likely pathogenic. Review status: criteria provided, multiple submitters, no conflicts (2 of 4 stars). 5 submissions from 5 submitters: Likely pathogenic (3). 2 of the submissions do not count toward it. Last evaluated 2025-03-04.

Conditions:
Hereditary cancer-predisposing syndrome. Also called: Tumor predisposition; Hereditary neoplastic syndrome; Neoplastic Syndromes, Hereditary; Hereditary Cancer Syndrome. Identifiers: Orphanet 140162, MedGen C0027672, MeSH D009386, MONDO:0015356.
Hereditary breast ovarian cancer syndrome. Also called: Hereditary breast and ovarian cancer syndrome; BRCA1- and BRCA2-Associated Hereditary Breast and Ovarian Cancer; Hereditary breast and ovarian cancer; Hereditary breast and ovarian cancer syndrome (HBOC); Hereditary breast and/or ovarian cancer syndrome; Breast and ovarian cancer. Identifiers: Orphanet 145, MedGen C0677776, MeSH D061325, MONDO:0003582. Disease mechanism: loss of function.

Allele frequency attached by ClinVar (database versions not stated): gnomAD exomes below 0.00001 and 0.00001; ExAC 0.00001; TOPMed 0.00002.

Submissions (5):

Center for Genomic Medicine, Rigshospitalet, Copenhagen University Hospital
Classification: Likely pathogenic. Last evaluated: 2025-03-04. Review status: criteria provided, single submitter. Criteria: ACMG Guidelines, 2015. Collection method: clinical testing. Allele origin: germline.

GeneKor MSA
Classification: Likely pathogenic for Hereditary cancer-predisposing syndrome. Last evaluated: 2020-01-01. Review status: criteria provided, single submitter. Criteria: ACMG Guidelines, 2015. Collection method: clinical testing. Allele origin: germline. Affected: yes.
Comment: This variant is change of the last base in exon 2 of the RAD51B gene, which is conserved in the human genome and other genomes. Although it does not lead to an amino acid change, it is expected that this alteration causes improper sRNA splicing and deletion of the entire exon. Thus the protein produced by one allele is expected to be truncated and non-functional. This variant has been described in the international literature in individuals undergoing panel testing for hereditary syndrome (PMID: 31159747). The mutation database ClinVar contains entries for this variant (Variation ID: 221910).

Clinical Cancer Genetics and Family Consultants, Athens Medical Center
Classification: Likely pathogenic for Hereditary breast ovarian cancer syndrome. Last evaluated: 2015-12-12. Review status: criteria provided, single submitter. Criteria: ACMG Guidelines, 2015. Collection method: clinical testing. Allele origin: inherited. Inheritance: Autosomal dominant inheritance. Affected: yes. Observed: 1 heterozygote.
Comment: The same mutation has been described as a leaky splicing variant of the RAD51B (PMID:26898890). First time in Greece, it has been observed among 164 patients with breast and ovarian cancers tested in the our clinic. We consider this variant to be likely pathogenic.

Dr. Peter K. Rogan Lab, Western University
Classification: Likely pathogenic for Hereditary breast ovarian cancer syndrome. Last evaluated: 2015-12-22. Review status: no assertion criteria provided. Collection method: research. Allele origin: unknown. Affected: yes. Observed: 1 variant allele. Study: Caminsky_2016. Not counted in ClinVar's aggregate classification.

Ambry Genetics
Classification: Uncertain significance. Last evaluated: 2025-04-01. Review status: flagged submission. Criteria: Ambry Variant Classification Scheme 2023. Collection method: clinical testing. Allele origin: germline. Not counted in ClinVar's aggregate classification.
Comment: The c.84G>A variant (also known as p.Q28Q), located in coding exon 1 of the RAD51B gene, results from a G to A substitution at nucleotide position 84. This nucleotide substitution does not change the glutamine at codon 28. However, this change occurs in the last base pair of coding exon 1, which makes it likely to have some effect on normal mRNA splicing. This nucleotide position is highly conserved in available vertebrate species. In silico splice site analysis predicts that this alteration will weaken the native splice donor site. The evidence for this gene-disease relationship is limited; therefore, the clinical significance of this alteration is unclear.
ClinVar note: Reason: Outlier claim with insufficient supporting evidence

Literature cited by the submitters: PubMed 26898890 (cited by Center for Genomic Medicine, Rigshospitalet, Copenhagen University Hospital and Dr. Peter K. Rogan Lab, Western University); PubMed 31159747 (cited by Center for Genomic Medicine, Rigshospitalet, Copenhagen University Hospital).

NM_133510.4(RAD51B):c.84G>A (p.Gln28=)

Gene: RAD51B (RAD51 paralog B; plus strand). Cytogenetic location: 14q24.1.
Variant type: single nucleotide variant.
Coding change: c.84G>A on transcript NM_133510.4 (MANE Select); coding-DNA position 84, G replaced by A.
Protein change: p.Gln28=; no amino-acid change (glutamine 28 retained).
Molecular consequence: synonymous variant. On other transcripts: 5 prime UTR variant (2).
Genome position (GRCh38, 1-based): chr14:67,823,627, G>A. VCF-style: chr14-67823627-G-A. GRCh37 (hg19) VCF-style: chr14-68290344-G-A.
Other names: c.84G>A (NM_133510.3); c.84G>A, p.Gln28= (NM_001321809.2, NM_001321810.2, NM_001321812.1 and 6 more transcripts); c.-31G>A (NM_001321815.1); c.-372G>A (NM_001321817.2).
Identifiers: ClinVar variation 221910 (VCV000221910.6), dbSNP rs764896402, ClinGen allele CA7240931.